The following is an entry in ClinVar:

NM_000428.3(LTBP2):c.1399+10_1399+16del

Gene: LTBP2 (latent transforming growth factor beta binding protein 2; minus strand). Cytogenetic location: 14q24.3.
Variant type: Deletion.
Coding change: c.1399+10_1399+16del on transcript NM_000428.3 (MANE Select); bases 10 to 16 of the intron after coding-DNA position 1399, 7 bases deleted (GGCACAG; older notation c.1399+10_1399+16delGGCACAG).
Molecular consequence: intron variant.
Genome position (GRCh38, 1-based): chr14:74,552,171-74,552,177, CTGTGCC deleted on the plus strand (GGCACAG on the coding strand, the reverse complement: LTBP2 is on the minus strand). VCF-style (leftmost placement, unchanged base first): chr14-74552170-GCTGTGCC-G. GRCh37 (hg19) VCF-style: chr14-75018873-GCTGTGCC-G.
Identifiers: ClinVar variation 5002044 (VCV005002044.1).

ClinVar aggregate classification (germline): Likely benign (1 of 4 stars; one submission).

Conditions:
LTBP2-related disorder. Also called: LTBP2-related disorders; LTBP2-related condition.

Submission:

PreventionGenetics, part of Exact Sciences
Classification: Likely benign for LTBP2-related condition. Last evaluated: 2025-01-11. Review status: criteria provided, single submitter. Criteria: ACMG Guidelines, 2015. Collection method: clinical testing. Allele origin: germline.
Comment: This variant is classified as likely benign based on ACMG/AMP sequence variant interpretation guidelines (Richards et al. 2015 PMID: 25741868, with internal and published modifications).